The following is an entry in ClinVar:

NM_000022.4(ADA):c.516C>G (p.Tyr172Ter)

Gene: ADA (adenosine deaminase; minus strand). Cytogenetic location: 20q13.12.
Variant type: single nucleotide variant.
Coding change: c.516C>G on transcript NM_000022.4 (MANE Select); coding-DNA position 516, C replaced by G.
Protein change: p.Tyr172Ter; replaces tyrosine 172 with a stop codon.
Molecular consequence: nonsense. On other transcripts: non-coding transcript variant (1).
Genome position (GRCh38, 1-based): chr20:44,624,292, G>C on the plus strand (C>G on the coding strand, the complement: ADA is on the minus strand). VCF-style: chr20-44624292-G-C. GRCh37 (hg19) VCF-style: chr20-43252933-G-C.
Other names: c.111C>G, p.Tyr37Ter (NM_001322050.2); c.516C>G, p.Tyr172Ter (NM_001322051.2); short protein forms Y172*, Y37*.
Identifiers: ClinVar variation 5015919 (VCV005015919.1).

ClinVar aggregate classification (germline): Pathogenic (1 of 4 stars; one submission).

Conditions:
Severe combined immunodeficiency, autosomal recessive, T cell-negative, B cell-negative, NK cell-negative, due to adenosine deaminase deficiency. Also called: ADA-SCID; SCID DUE TO ADA DEFICIENCY; SCID DUE TO ADA DEFICIENCY, EARLY-ONSET; ADA deficiency; Adenosine deaminase deficient severe combined immunodeficiency; Severe combined immunodeficiency due to ADA deficiency. Identifiers: Orphanet 277, MedGen C0392607, MONDO:0007064, OMIM 102700.

Submission:

Myriad Genetics, Inc.
Classification: Pathogenic for Severe combined immunodeficiency, autosomal recessive, T cell-negative, B cell-negative, NK cell-negative, due to adenosine deaminase deficiency. Last evaluated: 2026-05-16. Review status: criteria provided, single submitter. Criteria: Myriad Autosomal Dominant, Autosomal Recessive and X-Linked Classification Criteria (2023). Collection method: clinical testing. Allele origin: unknown.
Comment: NM_000022.2(ADA):c.516C>G(Y172*) is expected to be pathogenic in the context of adenosine deaminase deficiency. This variant is predicted to lead to an abnormal or absent protein product due to the creation of a premature termination codon in ADA, a gene where loss-of-function variants are known to be pathogenic. Please note: this variant was assessed in the context of healthy population screening.